The following is an entry in ClinVar:

NM_001401501.2(MUC16):c.6292T>C (p.Ser2098Pro)

Gene: MUC16 (mucin 16, cell surface associated; minus strand). Cytogenetic location: 19p13.2.
Variant type: single nucleotide variant.
Coding change: c.6292T>C on transcript NM_001401501.2 (MANE Select); coding-DNA position 6292, T replaced by C.
Protein change: p.Ser2098Pro; replaces serine 2098 with proline.
Molecular consequence: missense variant.
Genome position (GRCh38, 1-based): chr19:8,974,967, A>G on the plus strand (T>C on the coding strand, the complement: MUC16 is on the minus strand). VCF-style: chr19-8974967-A-G. GRCh37 (hg19) VCF-style: chr19-9085643-A-G.
Other names: c.6718T>C, p.Ser2240Pro (NM_001414686.1); c.6172T>C, p.Ser2058Pro (NM_001414687.1, NM_024690.2); short protein forms S2058P, S2098P, S2240P.
Identifiers: ClinVar variation 3059330 (VCV003059330.2), dbSNP rs1574479, ClinGen allele CA9172471.

ClinVar aggregate classification (germline): Benign (0 of 4 stars; one submission).

Conditions:
MUC16-related disorder. Also called: MUC16-related condition.

Allele frequency attached by ClinVar (database versions not stated): ESP Exome Variant Server 0.14469; gnomAD 0.16350; TOPMed 0.16381; 1000 Genomes Project 30x 0.18691; 1000 Genomes Project 0.19010.

Submission:

PreventionGenetics, part of Exact Sciences
Classification: Benign for MUC16-related condition. Last evaluated: 2019-10-18. Review status: no assertion criteria provided. Collection method: clinical testing. Allele origin: germline.
Comment: This variant is classified as benign based on ACMG/AMP sequence variant interpretation guidelines (Richards et al. 2015 PMID: 25741868, with internal and published modifications).